The following is an entry in ClinVar:

ClinVar aggregate classification (germline): Uncertain significance (1 of 4 stars; one submission).

Conditions:
Familial adenomatous polyposis 1 (FAP1). Also called: POLYPOSIS, ADENOMATOUS INTESTINAL; FAMILIAL ADENOMATOUS POLYPOSIS 1, ATTENUATED. Identifiers: MedGen C2713442, MONDO:0021056, OMIM 175100. Disease mechanism: loss of function.

Submission:

Labcorp Genetics (formerly Invitae), Labcorp
Classification: Uncertain significance for Familial adenomatous polyposis 1. Last evaluated: 2022-04-10. Review status: criteria provided, single submitter. Criteria: Invitae Variant Classification Sherloc (09022015). Collection method: clinical testing. Allele origin: germline.
Comment: This sequence change replaces asparagine, which is neutral and polar, with lysine, which is basic and polar, at codon 2067 of the APC protein (p.Asn2067Lys). This variant is not present in population databases (gnomAD no frequency). This variant has not been reported in the literature in individuals affected with APC-related conditions. Algorithms developed to predict the effect of missense changes on protein structure and function output the following: SIFT: "Tolerated"; PolyPhen-2: "Benign"; Align-GVGD: "Class C0". The lysine amino acid residue is found in multiple mammalian species, which suggests that this missense change does not adversely affect protein function. In summary, the available evidence is currently insufficient to determine the role of this variant in disease. Therefore, it has been classified as a Variant of Uncertain Significance.

NM_000038.6(APC):c.6201T>A (p.Asn2067Lys)

Gene: APC (APC regulator of Wnt signaling pathway; plus strand). Cytogenetic location: 5q22.2.
Variant type: single nucleotide variant.
Coding change: c.6201T>A on transcript NM_000038.6 (MANE Select); coding-DNA position 6201, T replaced by A.
Protein change: p.Asn2067Lys; replaces asparagine 2067 with lysine.
Molecular consequence: missense variant.
Genome position (GRCh38, 1-based): chr5:112,841,795, T>A. VCF-style: chr5-112841795-T-A. GRCh37 (hg19) VCF-style: chr5-112177492-T-A.
Other names: c.5814T>A, p.Asn1938Lys (NM_001407467.1, NM_001407469.1); c.5352T>A, p.Asn1784Lys (NM_001407470.1, NM_001354906.2); c.5049T>A, p.Asn1683Lys (NM_001407471.1, NM_001407472.1); c.6201T>A, p.Asn2067Lys (NM_001127510.3, NM_001354895.2, NM_001407450.1); c.6147T>A, p.Asn2049Lys (NM_001127511.3); c.6255T>A, p.Asn2085Lys (NM_001354896.2, NM_001407447.1, NM_001407448.1 and 1 more transcripts); c.6231T>A, p.Asn2077Lys (NM_001354897.2); c.6126T>A, p.Asn2042Lys (NM_001354898.2); and 11 more; short protein forms N1907K, N1976K, N2039K, N2057K, N2085K, N2095K, N1784K, N1966K.
Identifiers: ClinVar variation 2124016 (VCV002124016.4), dbSNP rs876659306, ClinGen allele CA16034914.